The following is an entry in ClinVar:

ClinVar aggregate classification (germline): Uncertain significance (1 of 4 stars; one submission).

Submission:

Ambry Genetics
Classification: Uncertain significance. Last evaluated: 2025-12-10. Review status: criteria provided, single submitter. Criteria: Ambry Variant Classification Scheme 2023. Collection method: clinical testing. Allele origin: germline.
Comment: The p.L179M variant (also known as c.535C>A), located in coding exon 1 of the EGLN1 gene, results from a C to A substitution at nucleotide position 535. The leucine at codon 179 is replaced by methionine, an amino acid with highly similar properties. This amino acid position is conserved. In addition, this alteration is predicted to be tolerated by in silico analysis. Based on the available evidence, the clinical significance of this variant remains unclear.

NM_022051.3(EGLN1):c.535C>A (p.Leu179Met)

Gene: EGLN1 (egl-9 family hypoxia inducible factor 1; minus strand). Cytogenetic location: 1q42.2.
Variant type: single nucleotide variant.
Coding change: c.535C>A on transcript NM_022051.3 (MANE Select); coding-DNA position 535, C replaced by A.
Protein change: p.Leu179Met; replaces leucine 179 with methionine.
Molecular consequence: missense variant.
Genome position (GRCh38, 1-based): chr1:231,421,354, G>T on the plus strand (C>A on the coding strand, the complement: EGLN1 is on the minus strand). VCF-style: chr1-231421354-G-T. GRCh37 (hg19) VCF-style: chr1-231557100-G-T.
Other names: c.535C>A, p.Leu179Met (NM_001377260.1, NM_001377261.1); short protein forms L179M.
Identifiers: ClinVar variation 4663422 (VCV004663422.1).
Genomic context (GRCh38, chr1:231,421,354, plus strand): 5'-CGATGTACTCGAGCGCCAGCTTCAGCGCCGGCAGGGGCTTCGTCTGCCCGTTGGGCCGCA[G>T]GCCGCCGCCGGGGCTCAGCGCATCCCCGGGCGTGTTGCTTGGGGGGTACAGGTTCGCCTT-3'
Protein context (NP_071334.1, residues 169-189): PGDALSPGGG[Leu179Met]RPNGQTKPLP